The following is an entry in ClinVar:

ClinVar aggregate classification (germline): Uncertain significance. Review status: criteria provided, multiple submitters, no conflicts (2 of 4 stars). 3 submissions from 3 submitters: Uncertain significance (3). Last evaluated 2025-07-21.

Conditions:
Inborn genetic diseases. Identifiers: MedGen C0950123, MeSH D030342.
Fanconi anemia (FA). Also called: Fanconi's anemia. Identifiers: Orphanet 84, MedGen C0015625, MeSH D005199, MONDO:0019391.

gnomAD v4.1: 2 of 1,567,076 alleles (0.00013%); highest among the groups gnomAD compares: South Asian, 0.0011%; no homozygotes.

Submissions (3):

Labcorp Genetics (formerly Invitae), Labcorp
Classification: Uncertain significance for Fanconi anemia. Last evaluated: 2025-07-21. Review status: criteria provided, single submitter. Criteria: Invitae Variant Classification Sherloc (09022015). Collection method: clinical testing. Allele origin: germline.
Comment: This sequence change replaces phenylalanine, which is neutral and non-polar, with leucine, which is neutral and non-polar, at codon 385 of the FANCM protein (p.Phe385Leu). This variant is not present in population databases (gnomAD no frequency). This variant has not been reported in the literature in individuals affected with FANCM-related conditions. ClinVar contains an entry for this variant (Variation ID: 2522837). An algorithm developed to predict the effect of missense changes on protein structure and function (PolyPhen-2) suggests that this variant is likely to be tolerated. In summary, the available evidence is currently insufficient to determine the role of this variant in disease. Therefore, it has been classified as a Variant of Uncertain Significance.

Ambry Genetics
Classification: Uncertain significance for Inborn genetic diseases. Last evaluated: 2025-03-19. Review status: criteria provided, single submitter. Criteria: Ambry Variant Classification Scheme 2023. Collection method: clinical testing. Allele origin: germline.
Comment: The p.F385L variant (also known as c.1155C>G), located in coding exon 6 of the FANCM gene, results from a C to G substitution at nucleotide position 1155. The phenylalanine at codon 385 is replaced by leucine, an amino acid with highly similar properties. This amino acid position is conserved. In addition, this alteration is predicted to be tolerated by in silico analysis. Based on the available evidence, the clinical significance of this variant remains unclear.

Quest Diagnostics Nichols Institute San Juan Capistrano
Classification: Uncertain significance. Last evaluated: 2024-11-12. Review status: criteria provided, single submitter. Criteria: Quest Diagnostics criteria. Collection method: clinical testing. Allele origin: unknown.
Comment: The FANCM c.1155C>G (p.Phe385Leu) variant has not been reported in individuals with FANCM-related conditions in the published literature. It also has not been reported in large, multi-ethnic general populations (Genome Aggregation Database). Analysis of this variant using bioinformatics tools for the prediction of the effect of amino acid changes on protein structure and function yielded conflicting predictions that this variant is benign or damaging. Based on the available information, we are unable to determine the clinical significance of this variant.

NM_020937.4(FANCM):c.1155C>G (p.Phe385Leu)

Gene: FANCM (FA complementation group M; plus strand). Cytogenetic location: 14q21.2.
Variant type: single nucleotide variant.
Coding change: c.1155C>G on transcript NM_020937.4 (MANE Select); coding-DNA position 1155, C replaced by G.
Protein change: p.Phe385Leu; replaces phenylalanine 385 with leucine.
Molecular consequence: missense variant.
Genome position (GRCh38, 1-based): chr14:45,154,024, C>G. VCF-style: chr14-45154024-C-G. GRCh37 (hg19) VCF-style: chr14-45623227-C-G.
Other names: c.1155C>G (NM_020937.3); c.1077C>G, p.Phe359Leu (NM_001308133.2); c.1155C>G, p.Phe385Leu (NM_001308134.2); short protein forms F385L, F359L.
Identifiers: ClinVar variation 2522837 (VCV002522837.5), dbSNP rs754592572, ClinGen allele CA389591009.
Genomic context (GRCh38, chr14:45,154,024, plus strand): 5'-TAGTTTATATCATGGTTATGAATTATTGCAGCAAATGGGAATGAGATCATTATATTTCTT[C>G]CTTTGTGGAATTATGGATGGAACTAAAGGTAAATTATATCAAATTATTTAAAGAAATAAT-3'
Protein context (NP_065988.1, residues 375-395): QQMGMRSLYF[Phe385Leu]LCGIMDGTKG